The following is an entry in ClinVar:

ClinVar aggregate classification (germline): Benign/Likely benign. Review status: criteria provided, multiple submitters, no conflicts (2 of 4 stars). 3 submissions from 3 submitters: Benign (1); Likely benign (2). Last evaluated 2025-02-26.

Conditions:
Hereditary cancer-predisposing syndrome. Also called: Tumor predisposition; Neoplastic Syndromes, Hereditary; Hereditary Cancer Syndrome; Hereditary neoplastic syndrome. Identifiers: Orphanet 140162, MedGen C0027672, MeSH D009386, MONDO:0015356.
Fanconi anemia complementation group O. Also called: RAD51C-Related Fanconi Anemia. Identifiers: Orphanet 84, MedGen C3150653, MONDO:0013248, OMIM 613390.
Breast-ovarian cancer, familial, susceptibility to, 3. Also called: RAD51C-Related Breast/Ovarian Cancer. Identifiers: Orphanet 145, MedGen C3150659, MONDO:0013253, OMIM 613399.

Submissions (3):

Labcorp Genetics (formerly Invitae), Labcorp
Classification: Likely benign for Fanconi anemia complementation group O. Last evaluated: 2025-02-26. Review status: criteria provided, single submitter. Criteria: Invitae Variant Classification Sherloc (09022015). Collection method: clinical testing. Allele origin: germline.

Myriad Genetics, Inc.
Classification: Benign for Breast-ovarian cancer, familial, susceptibility to, 3. Last evaluated: 2025-02-19. Review status: criteria provided, single submitter. Criteria: Myriad Autosomal Dominant, Autosomal Recessive and X-Linked Classification Criteria (2023). Collection method: clinical testing. Allele origin: unknown.
Comment: This variant is considered benign. This variant is a silent/synonymous amino acid change and it is not expected to impact splicing.

Ambry Genetics
Classification: Likely benign for Hereditary cancer-predisposing syndrome. Last evaluated: 2025-01-24. Review status: criteria provided, single submitter. Criteria: Ambry Variant Classification Scheme 2023. Collection method: clinical testing. Allele origin: germline.

NM_058216.3(RAD51C):c.996G>A (p.Gln332=)

Gene: RAD51C (RAD51 paralog C; plus strand). Cytogenetic location: 17q22.
Variant type: single nucleotide variant.
Coding change: c.996G>A on transcript NM_058216.3 (MANE Select); coding-DNA position 996, G replaced by A.
Protein change: p.Gln332=; no amino-acid change (glutamine 332 retained).
Molecular consequence: synonymous variant. On other transcripts: non-coding transcript variant (1).
Genome position (GRCh38, 1-based): chr17:58,732,514, G>A. VCF-style: chr17-58732514-G-A. GRCh37 (hg19) VCF-style: chr17-56809875-G-A.
Other names: c.*424G>A (NM_058217.1).
Identifiers: ClinVar variation 2625139 (VCV002625139.5), dbSNP rs2509364161, ClinGen allele CA400364987.
Genomic context (GRCh38, chr17:58,732,514, plus strand): 5'-TGTATGTATTTATTCTTTTTCTTTAAGCAGGTTGGCAACATTGTACAAGTCACCCAGCCA[G>A]AAGGAATGCACAGTACTGTTTCAAATCAAAGTCAGTATTATTTGATTAGAGTGGGATTTT-3'
Protein context (NP_478123.1, residues 322-342): RLATLYKSPS[Gln332=]KECTVLFQIK